The following is an entry in ClinVar:

ClinVar aggregate classification (germline): Uncertain significance (1 of 4 stars; one submission).

Conditions:
Hereditary spastic paraplegia 53. Also called: Spastic paraplegia 53, autosomal recessive. Identifiers: Orphanet 319199, MedGen C3539494, MONDO:0013962, OMIM 614898.

Submission:

Labcorp Genetics (formerly Invitae), Labcorp
Classification: Uncertain significance for Hereditary spastic paraplegia 53. Last evaluated: 2025-06-04. Review status: criteria provided, single submitter. Criteria: Invitae Variant Classification Sherloc (09022015). Collection method: clinical testing. Allele origin: germline.
Comment: This sequence change replaces methionine, which is neutral and non-polar, with valine, which is neutral and non-polar, at codon 108 of the VPS37A protein (p.Met108Val). This variant is present in population databases (rs200628905, gnomAD 0.003%). This variant has not been reported in the literature in individuals affected with VPS37A-related conditions. Invitae Evidence Modeling of protein sequence and biophysical properties (such as structural, functional, and spatial information, amino acid conservation, physicochemical variation, residue mobility, and thermodynamic stability) indicates that this missense variant is not expected to disrupt VPS37A protein function with a negative predictive value of 80%. In summary, the available evidence is currently insufficient to determine the role of this variant in disease. Therefore, it has been classified as a Variant of Uncertain Significance.

NM_152415.3(VPS37A):c.322A>G (p.Met108Val)

Gene: VPS37A (VPS37A subunit of ESCRT-I; plus strand). Cytogenetic location: 8p22.
Variant type: single nucleotide variant.
Coding change: c.322A>G on transcript NM_152415.3 (MANE Select); coding-DNA position 322, A replaced by G.
Protein change: p.Met108Val; replaces methionine 108 with valine.
Molecular consequence: missense variant.
Genome position (GRCh38, 1-based): chr8:17,268,862, A>G. VCF-style: chr8-17268862-A-G. GRCh37 (hg19) VCF-style: chr8-17126371-A-G.
Other names: c.247A>G, p.Met83Val (NM_001145152.2); c.322A>G, p.Met108Val (NM_001363167.1, NM_001363173.2); c.52A>G, p.Met18Val (NM_001363168.1, NM_001363169.1, NM_001363170.1 and 2 more transcripts); short protein forms M83V, M108V, M18V.
Identifiers: ClinVar variation 4736252 (VCV004736252.1).